The following is an entry in ClinVar:

NM_001161352.2(KCNMA1):c.16G>A (p.Gly6Ser)

Gene: KCNMA1 (potassium calcium-activated channel subfamily M alpha 1; minus strand). Cytogenetic location: 10q22.3.
Variant type: single nucleotide variant.
Coding change: c.16G>A on transcript NM_001161352.2 (MANE Select); coding-DNA position 16, G replaced by A.
Protein change: p.Gly6Ser; replaces glycine 6 with serine.
Molecular consequence: missense variant.
Genome position (GRCh38, 1-based): chr10:77,637,627, C>T on the plus strand (G>A on the coding strand, the complement: KCNMA1 is on the minus strand). VCF-style: chr10-77637627-C-T. GRCh37 (hg19) VCF-style: chr10-79397385-C-T.
Other names: c.16G>A, p.Gly6Ser (NM_001014797.3, NM_001161353.2, NM_001271518.2 and 12 more transcripts); short protein forms G6S.
Identifiers: ClinVar variation 532940 (VCV000532940.52), dbSNP rs914048941, ClinGen allele CA210159570.

ClinVar aggregate classification (germline): Uncertain significance. Review status: criteria provided, multiple submitters, no conflicts (2 of 4 stars). 6 submissions from 6 submitters: Uncertain significance (5). 1 of the submissions does not count toward it. Last evaluated 2025-01-14.

Conditions:
Inborn genetic diseases. Identifiers: MedGen C0950123, MeSH D030342.
Generalized epilepsy-paroxysmal dyskinesia syndrome (PNKD3). Also called: Generalized epilepsy and paroxysmal dyskinesia; Paroxysmal nonkinesigenic dyskinesia, 3, with or without generalized epilepsy. Identifiers: Orphanet 79137, MedGen C5574945, MONDO:0012276, OMIM 609446.
Intellectual disability. Also called: Intellectual functioning disability; intellectual disabilities; Intellectual developmental disorder. Identifiers: MedGen C3714756, MeSH D008607, MONDO:0001071, HP:0001249.

Allele frequency attached by ClinVar (database versions not stated): gnomAD exomes 0.00003 and 0.00013; gnomAD 0.00008 and 0.00009; TOPMed 0.00008.
gnomAD v4.1: 197 of 1,523,288 alleles (0.013%); highest among the groups gnomAD compares: Non-Finnish European, 0.015%; no homozygotes.

Submissions (6):

Labcorp Genetics (formerly Invitae), Labcorp
Classification: Uncertain significance for Generalized epilepsy-paroxysmal dyskinesia syndrome. Last evaluated: 2025-01-14. Review status: criteria provided, single submitter. Criteria: Invitae Variant Classification Sherloc (09022015). Collection method: clinical testing. Allele origin: germline.
Comment: This sequence change replaces glycine, which is neutral and non-polar, with serine, which is neutral and polar, at codon 6 of the KCNMA1 protein (p.Gly6Ser). The frequency data for this variant in the population databases is considered unreliable, as metrics indicate poor data quality at this position in the gnomAD database. This variant has not been reported in the literature in individuals affected with KCNMA1-related conditions. ClinVar contains an entry for this variant (Variation ID: 532940). Experimental studies and prediction algorithms are not available or were not evaluated, and the functional significance of this variant is currently unknown. In summary, the available evidence is currently insufficient to determine the role of this variant in disease. Therefore, it has been classified as a Variant of Uncertain Significance.

GeneDx
Classification: Uncertain significance. Last evaluated: 2024-07-12. Review status: criteria provided, single submitter. Criteria: GeneDx Variant Classification Process June 2021. Collection method: clinical testing. Allele origin: germline. Affected: yes.
Comment: In silico analysis indicates that this missense variant does not alter protein structure/function; Has not been previously published as pathogenic or benign to our knowledge

Revvity Omics, Revvity
Classification: Uncertain significance. Last evaluated: 2023-08-02. Review status: criteria provided, single submitter. Criteria: ACMG Guidelines, 2015. Collection method: clinical testing. Allele origin: germline.

Ambry Genetics
Classification: Uncertain significance for Inborn genetic diseases. Last evaluated: 2022-12-14. Review status: criteria provided, single submitter. Criteria: Ambry Variant Classification Scheme 2023. Collection method: clinical testing. Allele origin: germline.

CeGaT Center for Human Genetics Tuebingen
Classification: Uncertain significance. Last evaluated: 2021-12-01. Review status: criteria provided, single submitter. Criteria: CeGaT Center For Human Genetics Tuebingen Variant Classification Criteria Version 2. Collection method: clinical testing. Allele origin: germline. Affected: yes. Observed: 1 variant allele.

Centre de Biologie Pathologie Génétique, Centre Hospitalier Universitaire de Lille
Classification: Likely benign for Intellectual disability. Last evaluated: 2019-01-01. Review status: no assertion criteria provided. Collection method: clinical testing. Allele origin: inherited. Affected: yes. Not counted in ClinVar's aggregate classification.